The following is an entry in ClinVar:

NM_001128178.3(NPHP1):c.771+58C>T

Gene: NPHP1 (nephrocystin 1; minus strand). Cytogenetic location: 2q13.
Variant type: single nucleotide variant.
Coding change: c.771+58C>T on transcript NM_001128178.3 (MANE Select); 58 bases into the intron after coding-DNA position 771, C replaced by T.
Molecular consequence: intron variant. On other transcripts: nonsense (2).
Genome position (GRCh38, 1-based): chr2:110,164,630, G>A on the plus strand (C>T on the coding strand, the complement: NPHP1 is on the minus strand). VCF-style: chr2-110164630-G-A. GRCh37 (hg19) VCF-style: chr2-110922207-G-A.
Other names: c.829C>T, p.Arg277Ter (NM_000272.5, NM_207181.4); c.585+58C>T (NM_001128179.3); c.771+58C>T (NM_001374256.1, NM_001374257.1); c.829C>T (NM_000272.3); short protein forms R277*.
Identifiers: ClinVar variation 2171349 (VCV002171349.10), dbSNP rs367600757, ClinGen allele CA1827270.
Genomic context (GRCh38, chr2:110,164,630, plus strand): 5'-TCCATGCCCTGAACCCTGTTTCAGATCCATTGGTGTCTTCCACAGTCTCCATCCTATTTC[G>A]CATCAGAACTATTAGGTAGCAAAACGAGACATGATTAACAAGACAGAAGATGCCCGCCTC-3'

ClinVar aggregate classification (germline): Pathogenic/Likely pathogenic. Review status: criteria provided, multiple submitters, no conflicts (2 of 4 stars). 5 submissions from 5 submitters: Pathogenic (1); Likely pathogenic (4). Last evaluated 2026-04-07.

Conditions:
NPHP1-related disorder. Also called: NPHP1-related condition; NPHP1-related disorders.
Nephronophthisis. Also called: Juvenile Nephronophthisis. Identifiers: Orphanet 655, MedGen C0687120, MONDO:0019005, HP:0000090.
Nephronophthisis 1 (NPHP1). Also called: Nephronophthisis familial juvenile. Identifiers: Orphanet 655, Orphanet 93592, MedGen C1855681, MONDO:0009728, OMIM 256100.
Senior-Loken syndrome 1 (SLSN1). Also called: JUVENILE NEPHRONOPHTHISIS WITH LEBER AMAUROSIS. Identifiers: Orphanet 3156, MedGen C4551559, MONDO:0009962, OMIM 266900.
Joubert syndrome with renal defect. Also called: JOUBERT SYNDROME 4. Identifiers: Orphanet 220497, MedGen C1846790, MONDO:0012308, OMIM 609583.

Allele frequency attached by ClinVar (database versions not stated): ESP Exome Variant Server 0.00008.
gnomAD v4.1: 16 of 1,612,286 alleles (0.00099%); highest among the groups gnomAD compares: South Asian, 0.0044%; no homozygotes.

Submissions (5):

PreventionGenetics, part of Exact Sciences
Classification: Likely pathogenic for NPHP1-related condition. Last evaluated: 2026-04-07. Review status: criteria provided, single submitter. Criteria: ACMG Guidelines, 2015. Collection method: clinical testing. Allele origin: germline.
Comment: The NPHP1 c.829C>T variant is predicted to result in premature protein termination (p.Arg277*). This variant has been reported as likely pathogenic in an individual with Senior-Loken syndrome (Table S3, Hanany et al. 2020. PubMed ID: 31964843). This variant is reported in 0.0065% of alleles in individuals of South Asian descent in gnomAD and is interpreted as pathogenic/likely pathogenic in ClinVar (Variation ID: 2171349). Nonsense variants in NPHP1 are expected to be pathogenic. This variant is interpreted as likely pathogenic.

Baylor Genetics
Classification: Likely pathogenic for Joubert syndrome with renal defect. Last evaluated: 2024-03-16. Review status: criteria provided, single submitter. Criteria: ACMG Guidelines, 2015. Collection method: clinical testing. Allele origin: unknown.

Labcorp Genetics (formerly Invitae), Labcorp
Classification: Pathogenic for Nephronophthisis. Last evaluated: 2023-12-30. Review status: criteria provided, single submitter. Criteria: Invitae Variant Classification Sherloc (09022015). Collection method: clinical testing. Allele origin: germline.
Comment: This sequence change creates a premature translational stop signal (p.Arg277*) in the NPHP1 gene. It is expected to result in an absent or disrupted protein product. Loss-of-function variants in NPHP1 are known to be pathogenic (PMID: 23559409). This variant is present in population databases (rs367600757, gnomAD 0.006%). This variant has not been reported in the literature in individuals affected with NPHP1-related conditions. ClinVar contains an entry for this variant (Variation ID: 2171349). For these reasons, this variant has been classified as Pathogenic.

Blueprint Genetics
Classification: Likely pathogenic for NPHP1-related disorders. Last evaluated: 2023-03-16. Review status: criteria provided, single submitter. Criteria: ACMG Guidelines, 2015. Collection method: clinical testing. Allele origin: germline. Affected: yes. Observed: 2 variant alleles.

Juno Genomics, Hangzhou Juno Genomics, Inc
Classification: Likely pathogenic for Joubert syndrome with renal defect; Nephronophthisis 1; Senior-Loken syndrome 1. Review status: criteria provided, single submitter. Criteria: ACMG Guidelines, 2015. Collection method: clinical testing. Allele origin: germline. Affected: yes.
Comment: Absent from controls (or at extremely low frequency if recessive) in Genome Aggregation Database, Exome Sequencing Project, 1000 Genomes Project, or Exome Aggregation Consortium.;Null variant in a gene where loss of function (LOF) is a known mechanism of disease.

Literature cited by the submitters: PubMed 23559409 (cited by Labcorp Genetics (formerly Invitae), Labcorp).